The following is an entry in ClinVar:

ClinVar aggregate classification (germline): Uncertain significance (1 of 4 stars; one submission).

Conditions:
Cardiovascular phenotype. Identifiers: MedGen CN230736.

Allele frequency attached by ClinVar (database versions not stated): gnomAD 0.00001; TOPMed 0.00001; ExAC 0.00002.
gnomAD v4.1: 15 of 1,610,012 alleles (0.00093%); highest among the groups gnomAD compares: African/African-American, 0.0013%; no homozygotes.

Submission:

Ambry Genetics
Classification: Uncertain significance for Cardiovascular phenotype. Last evaluated: 2021-12-03. Review status: criteria provided, single submitter. Criteria: Ambry Variant Classification Scheme 2023. Collection method: clinical testing. Allele origin: germline.
Comment: The c.3893+5C>T intronic variant results from a C to T substitution 5 nucleotides after coding exon 32 in the ANK2 gene. This nucleotide position is poorly conserved in available vertebrate species. In silico splice site analysis predicts that this alteration will not have any significant effect on splicing. Since supporting evidence is limited at this time, the clinical significance of this alteration remains unclear.

NM_001148.6(ANK2):c.3893+5C>T

Gene: ANK2 (ankyrin 2; plus strand). Cytogenetic location: 4q26.
Variant type: single nucleotide variant.
Coding change: c.3893+5C>T on transcript NM_001148.6 (MANE Select); 5 bases into the intron after coding-DNA position 3893, C replaced by T.
Molecular consequence: intron variant.
Genome position (GRCh38, 1-based): chr4:113,339,327, C>T. VCF-style: chr4-113339327-C-T. GRCh37 (hg19) VCF-style: chr4-114260483-C-T.
Other names: c.3878+5C>T (NM_001386186.2, NM_001386148.2); c.3680+5C>T (NM_001354269.3); c.3758+5C>T (NM_001386187.2); c.3752+5C>T (NM_001386147.1, NM_001354261.2); c.3737+5C>T (NM_001386160.1); c.3842+5C>T (NM_001354254.2); c.3863+5C>T (NM_001354239.2, NM_001354252.2); c.3764+5C>T (NM_001354272.2); and 31 more.
Identifiers: ClinVar variation 1735913 (VCV001735913.2), dbSNP rs747391205, ClinGen allele CA3050944.